The following is an entry in ClinVar:

NM_000038.6(APC):c.933+79A>C

Gene: APC (APC regulator of WNT signaling pathway; plus strand). Cytogenetic location: 5q22.2.
Variant type: single nucleotide variant.
Coding change: c.933+79A>C on transcript NM_000038.6 (MANE Select); 79 bases into the intron after coding-DNA position 933, A replaced by C.
Molecular consequence: intron variant.
Genome position (GRCh38, 1-based): chr5:112,815,672, A>C. VCF-style: chr5-112815672-A-C. GRCh37 (hg19) VCF-style: chr5-112151369-A-C.
Other names: c.933+79A>C (NM_001354895.2, NM_001127510.3, NM_001354896.2 and 1 more transcripts); c.963+79A>C (NM_001354897.2, NM_001354902.2); c.879+79A>C (NM_001127511.3); c.858+79A>C (NM_001354898.2, NM_001354904.2); c.84+79A>C (NM_001354906.2); c.849+79A>C (NM_001354899.2); c.756+79A>C (NM_001354900.2, NM_001354901.2, NM_001354905.2).
Identifiers: ClinVar variation 82556 (VCV000082556.2), dbSNP rs75280663, ClinGen allele CA015764.
Genomic context (GRCh38, chr5:112,815,672, plus strand): 5'-CCCTGGTCACTAATGCCATGACTACTTTGCTAAGACATTCTTGGCCAGGTGCAGTGGCTC[A>C]CACCTGTAATCCCAGCATTTTGGGAGGCCAAGGCAGGTGGATCACTTGAGGCCAGGAGTT-3'

ClinVar aggregate classification (germline): other (0 of 4 stars; one submission).

Conditions:
Familial colorectal cancer. Identifiers: MedGen CN280943, MONDO:0023113. Disease mechanism: loss of function.

Submission:

Systems Biology Platform Zhejiang California International NanoSystems Institute
Classification: other for Familial colorectal cancer. Review status: no assertion criteria provided. Collection method: not provided. Allele origin: unknown.
ClinVar note: Converted during submission from cancer to other.